The following is an entry in ClinVar:

ClinVar aggregate classification (germline): Conflicting classifications of pathogenicity. Review status: criteria provided, conflicting classifications (1 of 4 stars). 2 submissions from 2 submitters: Uncertain significance (1); Likely benign (1). Last evaluated 2023-11-01.

Allele frequency attached by ClinVar (database versions not stated): TOPMed below 0.00001.
gnomAD v4.1: 7 of 1,497,242 alleles (0.00047%); highest among the groups gnomAD compares: Non-Finnish European, 0.00063%; no homozygotes.

Submissions (2):

CeGaT Center for Human Genetics Tuebingen
Classification: Uncertain significance. Last evaluated: 2023-11-01. Review status: criteria provided, single submitter. Criteria: CeGaT Center For Human Genetics Tuebingen Variant Classification Criteria Version 2. Collection method: clinical testing. Allele origin: germline. Affected: yes. Observed: 1 variant allele.
Comment: AHDC1: PM2

Labcorp Genetics (formerly Invitae), Labcorp
Classification: Likely benign. Last evaluated: 2022-11-22. Review status: criteria provided, single submitter. Criteria: Invitae Variant Classification Sherloc (09022015). Collection method: clinical testing. Allele origin: germline.

NM_001371928.1(AHDC1):c.175G>A (p.Glu59Lys)

Gene: AHDC1 (AT-hook DNA binding motif containing 1; minus strand). Cytogenetic location: 1p36.11.
Variant type: single nucleotide variant.
Coding change: c.175G>A on transcript NM_001371928.1 (MANE Select); coding-DNA position 175, G replaced by A.
Protein change: p.Glu59Lys; replaces glutamic acid 59 with lysine.
Molecular consequence: missense variant.
Genome position (GRCh38, 1-based): chr1:27,551,941, C>T on the plus strand (G>A on the coding strand, the complement: AHDC1 is on the minus strand). VCF-style: chr1-27551941-C-T. GRCh37 (hg19) VCF-style: chr1-27878452-C-T.
Other names: c.175G>A, p.Glu59Lys (NM_001029882.3); short protein forms E59K.
Identifiers: ClinVar variation 2672332 (VCV002672332.26), dbSNP rs773887305, ClinGen allele CA716210.